The following is an entry in ClinVar:

NM_032578.4(MYPN):c.2968G>T (p.Glu990Ter)

Gene: MYPN (myopalladin; plus strand). Cytogenetic location: 10q21.3.
Variant type: single nucleotide variant.
Coding change: c.2968G>T on transcript NM_032578.4 (MANE Select); coding-DNA position 2968, G replaced by T.
Protein change: p.Glu990Ter; replaces glutamic acid 990 with a stop codon.
Molecular consequence: nonsense. On other transcripts: non-coding transcript variant (2).
Genome position (GRCh38, 1-based): chr10:68,194,405, G>T. VCF-style: chr10-68194405-G-T. GRCh37 (hg19) VCF-style: chr10-69954162-G-T.
Other names: c.2968G>T, p.Glu990Ter (NM_001256267.2); c.2086G>T, p.Glu696Ter (NM_001256268.2); short protein forms E696*, E990*.
Identifiers: ClinVar variation 955067 (VCV000955067.12), dbSNP rs755507922, ClinGen allele CA376855696.

ClinVar aggregate classification (germline): Conflicting classifications of pathogenicity. Review status: criteria provided, conflicting classifications (1 of 4 stars). 4 submissions from 4 submitters: Pathogenic (2); Likely pathogenic (1); Uncertain significance (1). Last evaluated 2026-03-25.

Conditions:
Dilated cardiomyopathy 1KK (CMD1KK). Identifiers: Orphanet 154, Orphanet 75249, MedGen C3714995, MONDO:0014100, OMIM 615248.
Cardiovascular phenotype. Identifiers: MedGen CN230736.

Allele frequency attached by ClinVar (database versions not stated): TOPMed below 0.00001.
gnomAD v4.1: 9 of 1,613,772 alleles (0.00056%); highest among the groups gnomAD compares: Non-Finnish European, 0.00076%; no homozygotes.

Submissions (4):

GeneDx
Classification: Pathogenic. Last evaluated: 2026-03-25. Review status: criteria provided, single submitter. Criteria: GeneDx Variant Classification Process June 2021. Collection method: clinical testing. Allele origin: germline.
Comment: Nonsense variant predicted to result in protein truncation or nonsense mediated decay in a gene for which loss of function is a known mechanism of disease; Not observed at significant frequency in large population cohorts (gnomAD); Has not been previously published as pathogenic or benign to our knowledge

Labcorp Genetics (formerly Invitae), Labcorp
Classification: Pathogenic for Dilated cardiomyopathy 1KK. Last evaluated: 2025-11-13. Review status: criteria provided, single submitter. Criteria: Invitae Variant Classification Sherloc (09022015). Collection method: clinical testing. Allele origin: germline.
Comment: This sequence change creates a premature translational stop signal (p.Glu990*) in the MYPN gene. It is expected to result in an absent or disrupted protein product. Loss-of-function variants in MYPN are known to be pathogenic (PMID: 28017374). This variant is present in population databases (no rsID available, gnomAD 0.0009%). This variant has not been reported in the literature in individuals affected with MYPN-related conditions. ClinVar contains an entry for this variant (Variation ID: 955067). For these reasons, this variant has been classified as Pathogenic.

Ambry Genetics
Classification: Uncertain significance for Cardiovascular phenotype. Last evaluated: 2025-02-21. Review status: criteria provided, single submitter. Criteria: Ambry Variant Classification Scheme 2023. Collection method: clinical testing. Allele origin: germline.
Comment: The p.E990* variant (also known as c.2968G>T), located in coding exon 13 of the MYPN gene, results from a G to T substitution at nucleotide position 2968. This changes the amino acid from a glutamic acid to a stop codon within coding exon 13. Loss-of-function variants are expected to result in loss of function by premature protein truncation or nonsense-mediated mRNA decay. However, in silico splice site analysis predicts that this alteration may weaken the native splice acceptor site, resulting in a transcript that is predicted to be in-frame and not expected to trigger nonsense-mediated mRNA decay; although, direct evidence is unavailable. The exact functional effect of this variant is unknown. Based on the available evidence, the clinical significance of this variant remains unclear.

Revvity Omics, Revvity
Classification: Likely pathogenic. Last evaluated: 2024-02-06. Review status: criteria provided, single submitter. Criteria: ACMG Guidelines, 2015. Collection method: clinical testing. Allele origin: germline.

Literature cited by the submitters: PubMed 28017374 (cited by Labcorp Genetics (formerly Invitae), Labcorp).